The following is an entry in ClinVar:

NM_000195.5(HPS1):c.882C>G (p.Phe294Leu)

Gene: HPS1 (HPS1 biogenesis of lysosomal organelles complex 3 subunit 1; minus strand). Cytogenetic location: 10q24.2.
Variant type: single nucleotide variant.
Coding change: c.882C>G on transcript NM_000195.5 (MANE Select); coding-DNA position 882, C replaced by G.
Protein change: p.Phe294Leu; replaces phenylalanine 294 with leucine.
Molecular consequence: missense variant. On other transcripts: 5 prime UTR variant (3).
Genome position (GRCh38, 1-based): chr10:98,429,628, G>C on the plus strand (C>G on the coding strand, the complement: HPS1 is on the minus strand). VCF-style: chr10-98429628-G-C. GRCh37 (hg19) VCF-style: chr10-100189385-G-C.
Other names: c.-91C>G (NM_001311345.2, NM_001322487.2, NM_001322489.2); c.882C>G, p.Phe294Leu (NM_001322476.2, NM_001322477.2, NM_182639.4); c.783C>G, p.Phe261Leu (NM_001322478.2, NM_001322479.2, NM_001322491.2); c.621C>G, p.Phe207Leu (NM_001322480.2, NM_001322481.2); c.522C>G, p.Phe174Leu (NM_001322482.2); c.513C>G, p.Phe171Leu (NM_001322483.2, NM_001322484.2); c.414C>G, p.Phe138Leu (NM_001322485.2); c.764C>G, p.Ser255Cys (NM_001322490.2); and 1 more; short protein forms F174L, F207L, S222C, F261L, F138L, F171L, F294L, S255C.
Identifiers: ClinVar variation 2155875 (VCV002155875.1), dbSNP rs1423853559, ClinGen allele CA378051265.

ClinVar aggregate classification (germline): Uncertain significance (1 of 4 stars; one submission).

gnomAD v4.1: 1 of 1,614,242 alleles (0.000062%); no homozygotes.

Submission:

Labcorp Genetics (formerly Invitae), Labcorp
Classification: Uncertain significance. Last evaluated: 2022-07-27. Review status: criteria provided, single submitter. Criteria: Invitae Variant Classification Sherloc (09022015). Collection method: clinical testing. Allele origin: germline.
Comment: This sequence change replaces phenylalanine, which is neutral and non-polar, with leucine, which is neutral and non-polar, at codon 294 of the HPS1 protein (p.Phe294Leu). This variant is present in population databases (no rsID available, gnomAD 0.01%). This variant has not been reported in the literature in individuals affected with HPS1-related conditions. Algorithms developed to predict the effect of missense changes on protein structure and function output the following: SIFT: "Tolerated"; PolyPhen-2: "Benign"; Align-GVGD: "Class C0". The leucine amino acid residue is found in multiple mammalian species, which suggests that this missense change does not adversely affect protein function. In summary, the available evidence is currently insufficient to determine the role of this variant in disease. Therefore, it has been classified as a Variant of Uncertain Significance.